The following is an entry in ClinVar:

ClinVar aggregate classification (germline): Benign/Likely benign. Review status: criteria provided, multiple submitters, no conflicts (2 of 4 stars). 3 submissions from 3 submitters: Benign (1); Likely benign (2). Last evaluated 2025-05-13.

Conditions:
Familial melanoma. Also called: Hereditary melanoma; Hereditary cutaneous melanoma. Identifiers: Orphanet 618, MedGen C1512419, MONDO:0018961.
Melanoma, cutaneous malignant, susceptibility to, 3. Also called: Cutaneous malignant melanoma 3. Identifiers: Orphanet 618, MedGen C1836892, MONDO:0012183, OMIM 609048.
Hereditary cancer-predisposing syndrome. Also called: Hereditary neoplastic syndrome; Hereditary Cancer Syndrome; Neoplastic Syndromes, Hereditary; Tumor predisposition. Identifiers: Orphanet 140162, MedGen C0027672, MeSH D009386, MONDO:0015356.

Submissions (3):

Labcorp Genetics (formerly Invitae), Labcorp
Classification: Likely benign for Familial melanoma. Last evaluated: 2025-05-13. Review status: criteria provided, single submitter. Criteria: Invitae Variant Classification Sherloc (09022015). Collection method: clinical testing. Allele origin: germline.

Myriad Genetics, Inc.
Classification: Benign for Melanoma, cutaneous malignant, susceptibility to, 3. Last evaluated: 2024-09-25. Review status: criteria provided, single submitter. Criteria: Myriad Autosomal Dominant, Autosomal Recessive and X-Linked Classification Criteria (2023). Collection method: clinical testing. Allele origin: unknown.
Comment: This variant is considered benign. This variant is a silent/synonymous amino acid change and it is not expected to impact splicing.

Ambry Genetics
Classification: Likely benign for Hereditary cancer-predisposing syndrome. Last evaluated: 2015-11-15. Review status: criteria provided, single submitter. Criteria: Ambry Variant Classification Scheme 2023. Collection method: clinical testing. Allele origin: germline.

NM_000075.4(CDK4):c.271C>T (p.Leu91=)

Gene: CDK4 (cyclin dependent kinase 4; minus strand). Cytogenetic location: 12q14.1.
Variant type: single nucleotide variant.
Coding change: c.271C>T on transcript NM_000075.4 (MANE Select); coding-DNA position 271, C replaced by T.
Protein change: p.Leu91=; no amino-acid change (leucine 91 retained).
Molecular consequence: synonymous variant.
Genome position (GRCh38, 1-based): chr12:57,751,290, G>A on the plus strand (C>T on the coding strand, the complement: CDK4 is on the minus strand). VCF-style: chr12-57751290-G-A. GRCh37 (hg19) VCF-style: chr12-58145073-G-A.
Identifiers: ClinVar variation 1115162 (VCV001115162.12), dbSNP rs949558438, ClinGen allele CA237844408.